The following is an entry in ClinVar:

NM_023036.6(DNAI2):c.173C>T (p.Ser58Leu)

Gene: DNAI2 (dynein axonemal intermediate chain 2; plus strand). Cytogenetic location: 17q25.1.
Variant type: single nucleotide variant.
Coding change: c.173C>T on transcript NM_023036.6 (MANE Select); coding-DNA position 173, C replaced by T.
Protein change: p.Ser58Leu; replaces serine 58 with leucine.
Molecular consequence: missense variant. On other transcripts: non-coding transcript variant (1).
Genome position (GRCh38, 1-based): chr17:74,281,990, C>T. VCF-style: chr17-74281990-C-T. GRCh37 (hg19) VCF-style: chr17-72278129-C-T.
Other names: c.173C>T, p.Ser58Leu (NM_001172810.3, NM_001353167.2); short protein forms S58L.
Identifiers: ClinVar variation 1779165 (VCV001779165.4), dbSNP rs201802455, ClinGen allele CA8745266.

ClinVar aggregate classification (germline): Uncertain significance. Review status: criteria provided, multiple submitters, no conflicts (2 of 4 stars). 2 submissions from 2 submitters: Uncertain significance (2). Last evaluated 2024-02-26.

Conditions:
Primary ciliary dyskinesia. Also called: Ciliary dyskinesia. Identifiers: Orphanet 244, MedGen C0008780, MONDO:0016575, HP:0012265.

Allele frequency attached by ClinVar (database versions not stated): TOPMed below 0.00001; ExAC 0.00001; gnomAD 0.00001; 1000 Genomes Project 30x 0.00016; 1000 Genomes Project 0.00020.
gnomAD v4.1: 6 of 1,614,036 alleles (0.00037%); highest among the groups gnomAD compares: Admixed American, 0.0083%; no homozygotes.

Submissions (2):

Ambry Genetics
Classification: Uncertain significance for Primary ciliary dyskinesia. Last evaluated: 2024-02-26. Review status: criteria provided, single submitter. Criteria: Ambry Variant Classification Scheme 2023. Collection method: clinical testing. Allele origin: germline.

Labcorp Genetics (formerly Invitae), Labcorp
Classification: Uncertain significance for Primary ciliary dyskinesia. Last evaluated: 2022-02-24. Review status: criteria provided, single submitter. Criteria: Invitae Variant Classification Sherloc (09022015). Collection method: clinical testing. Allele origin: germline.
Comment: This sequence change replaces serine, which is neutral and polar, with leucine, which is neutral and non-polar, at codon 58 of the DNAI2 protein (p.Ser58Leu). This variant is present in population databases (rs201802455, gnomAD 0.01%). This variant has not been reported in the literature in individuals affected with DNAI2-related conditions. Algorithms developed to predict the effect of missense changes on protein structure and function are either unavailable or do not agree on the potential impact of this missense change (SIFT: "Deleterious"; PolyPhen-2: "Possibly Damaging"; Align-GVGD: "Class C0"). In summary, the available evidence is currently insufficient to determine the role of this variant in disease. Therefore, it has been classified as a Variant of Uncertain Significance.